The following is an entry in ClinVar:

NM_001724.5(BPGM):c.-100CTG[10]

Genes: BPGM (bisphosphoglycerate mutase; plus strand), LOC129999397 (ATAC-STARR-seq lymphoblastoid active region 26692; plus strand). Cytogenetic location: 7q33.
Variant type: Microsatellite.
Coding change: c.-100CTG[10] on transcript NM_001724.5 (MANE Select); ten copies in a row of the 3-base unit CTG starting at c.-100; the reference has eight copies in a row; two copies, 6 bases duplicated.
Molecular consequence: 5 prime UTR variant.
Genome position (GRCh38, 1-based): chr7:134,646,917-134,646,922, CTGCTG duplicated; duplicating any 6 consecutive bases within chr7:134,646,898-134,646,922 gives the same sequence; the position shown is the placement nearest the transcript's 3' end. VCF-style (leftmost placement, unchanged base first): chr7-134646897-G-GGCTGCT. GRCh37 (hg19) VCF-style: chr7-134331649-G-GGCTGCT.
Other names: c.-225CTG[10] (NM_001293085.2); c.-421CTG[10] (NM_199186.3).
Identifiers: ClinVar variation 4083519 (VCV004083519.8).
Genomic context (GRCh38, chr7:134,646,897, plus strand): 5'-CGATGCCGGCGGCAGTGATGAGTCCTAGGAGGCGCTGGCTCTTTGGCGGCTCGGAGGAGC[G>GGCTGCT]GCTGCTGCTGCTGCTGCTGCTGCTGGTGGCCCCTTTGCAGGTGAGTGGCTTTGTTTTAGA-3'

ClinVar aggregate classification (germline): Benign (1 of 4 stars; one submission).

Submission:

CeGaT Center for Human Genetics Tuebingen
Classification: Benign. Last evaluated: 2026-06-01. Review status: criteria provided, single submitter. Criteria: CeGaT Center For Human Genetics Tuebingen Variant Classification Criteria Version 2. Collection method: clinical testing. Allele origin: germline. Affected: yes. Observed: 2 variant alleles.
Comment: BPGM: BS1, BS2